The following is an entry in ClinVar:

NM_001136271.3(NKX2-6):c.745G>A (p.Gly249Arg)

Gene: NKX2-6 (NK2 homeobox 6; minus strand). Cytogenetic location: 8p21.2.
Variant type: single nucleotide variant.
Coding change: c.745G>A on transcript NM_001136271.3 (MANE Select); coding-DNA position 745, G replaced by A.
Protein change: p.Gly249Arg; replaces glycine 249 with arginine.
Molecular consequence: missense variant.
Genome position (GRCh38, 1-based): chr8:23,702,612, C>T on the plus strand (G>A on the coding strand, the complement: NKX2-6 is on the minus strand). VCF-style: chr8-23702612-C-T. GRCh37 (hg19) VCF-style: chr8-23560125-C-T.
Other names: short protein forms G249R.
Identifiers: ClinVar variation 534672 (VCV000534672.7), dbSNP rs752427485, ClinGen allele CA4677949.

ClinVar aggregate classification (germline): Uncertain significance (1 of 4 stars; one submission).

Conditions:
Conotruncal heart malformations (CTHM). Also called: Conotruncal heart malformations, variable. Identifiers: Orphanet 2445, Orphanet 3384, Orphanet 3426, MedGen C1857586, MONDO:0016581, OMIM 217095.

Allele frequency attached by ClinVar (database versions not stated): gnomAD below 0.00001 and 0.00002; TOPMed below 0.00001; gnomAD exomes 0.00025; ExAC 0.00090.
gnomAD v4.1: 142 of 1,547,926 alleles (0.0092%); highest among the groups gnomAD compares: South Asian, 0.16%; 4 homozygotes.

Submission:

Labcorp Genetics (formerly Invitae), Labcorp
Classification: Uncertain significance for Conotruncal heart malformations. Last evaluated: 2022-03-01. Review status: criteria provided, single submitter. Criteria: Invitae Variant Classification Sherloc (09022015). Collection method: clinical testing. Allele origin: germline.
Comment: In summary, the available evidence is currently insufficient to determine the role of this variant in disease. Therefore, it has been classified as a Variant of Uncertain Significance. Algorithms developed to predict the effect of missense changes on protein structure and function are either unavailable or do not agree on the potential impact of this missense change (SIFT: "Deleterious"; PolyPhen-2: "Possibly Damaging"; Align-GVGD: "Class C15"). ClinVar contains an entry for this variant (Variation ID: 534672). This variant has not been reported in the literature in individuals affected with NKX2-6-related conditions. This variant is present in population databases (rs752427485, gnomAD 0.2%), and has an allele count higher than expected for a pathogenic variant. This sequence change replaces glycine, which is neutral and non-polar, with arginine, which is basic and polar, at codon 249 of the NKX2-6 protein (p.Gly249Arg).